The following is an entry in ClinVar:

NM_000093.5(COL5A1):c.191C>T (p.Thr64Met)

Gene: COL5A1 (collagen type V alpha 1 chain; plus strand). Cytogenetic location: 9q34.3.
Variant type: single nucleotide variant.
Coding change: c.191C>T on transcript NM_000093.5 (MANE Select); coding-DNA position 191, C replaced by T.
Protein change: p.Thr64Met; replaces threonine 64 with methionine.
Molecular consequence: missense variant.
Genome position (GRCh38, 1-based): chr9:134,690,993, C>T. VCF-style: chr9-134690993-C-T. GRCh37 (hg19) VCF-style: chr9-137582839-C-T.
Other names: p.T64M:ACG>ATG; c.191C>T, p.Thr64Met (NM_001278074.1); short protein forms T64M.
Identifiers: ClinVar variation 213005 (VCV000213005.20), dbSNP rs777376620, ClinGen allele CA321669.

ClinVar aggregate classification (germline): Conflicting classifications of pathogenicity. Review status: criteria provided, conflicting classifications (1 of 4 stars). 4 submissions from 4 submitters: Uncertain significance (2); Benign (2). Last evaluated 2025-12-29.

Conditions:
Ehlers-Danlos syndrome, classic type, 1 (EDSCL1). Also called: Ehlers-Danlos Syndrome, Classic Type, COL5A1-Related; EHLERS-DANLOS SYNDROME, GRAVIS TYPE; EHLERS-DANLOS SYNDROME, SEVERE CLASSIC TYPE; Ehlers-Danlos syndrome, type 1; EDS I. Identifiers: MedGen C0268335, MONDO:0019567, OMIM 130000.
Familial thoracic aortic aneurysm and aortic dissection (TAAD). Also called: Thoracic aortic aneurysms and dissections. Identifiers: Orphanet 91387, MedGen C4707243, MONDO:0019625.

Allele frequency attached by ClinVar (database versions not stated): gnomAD exomes 0.00003; gnomAD 0.00009 and 0.00007; ExAC 0.00002; TOPMed 0.00006.
gnomAD v4.1: 50 of 1,613,750 alleles (0.0031%); highest among the groups gnomAD compares: South Asian, 0.026%; 1 homozygote.

Submissions (4):

Labcorp Genetics (formerly Invitae), Labcorp
Classification: Benign for Ehlers-Danlos syndrome, classic type, 1. Last evaluated: 2025-12-29. Review status: criteria provided, single submitter. Criteria: Invitae Variant Classification Sherloc (09022015). Collection method: clinical testing. Allele origin: germline.

Ambry Genetics
Classification: Benign for Familial thoracic aortic aneurysm and aortic dissection. Last evaluated: 2025-12-15. Review status: criteria provided, single submitter. Criteria: Ambry Variant Classification Scheme 2023. Collection method: clinical testing. Allele origin: germline.

Women's Health and Genetics/Laboratory Corporation of America, LabCorp
Classification: Uncertain significance. Last evaluated: 2023-07-21. Review status: criteria provided, single submitter. Criteria: LabCorp Variant Classification Summary - May 2015. Collection method: clinical testing. Allele origin: germline.

GeneDx
Classification: Uncertain significance. Last evaluated: 2017-06-30. Review status: criteria provided, single submitter. Criteria: GeneDx Variant Classification (06012015). Collection method: clinical testing. Allele origin: germline. Affected: yes.
Comment: A variant of uncertain significance has been identified in the COL5A1 gene. The T64M variant has not been published as pathogenic or been reported as benign to our knowledge. This variant is not observed at a significant frequency in large population cohorts (Lek et al., 2016; 1000 Genomes Consortium et al., 2015; Exome Variant Server). The T64M variant is a non-conservative amino acid substitution, which is likely to impact secondary protein structure as these residues differ in polarity, charge, size and/or other properties. However, this substitution occurs at a position that is not conserved across species. In silico analysis predicts this variant likely does not alter the protein structure/function. Finally, the T64M variant does not affect a Glycine residue in a Gly-X-Y motif in the triple helical region of the COL5A1 gene, where the majority of pathogenic missense variants occur (Stenson et al., 2014; Symoens et al., 2012).